The following is an entry in ClinVar:

NM_001077418.3(TMEM231):c.904G>A (p.Val302Met)

Gene: TMEM231 (transmembrane protein 231; minus strand). Cytogenetic location: 16q23.1.
Variant type: single nucleotide variant.
Coding change: c.904G>A on transcript NM_001077418.3 (MANE Select); coding-DNA position 904, G replaced by A.
Protein change: p.Val302Met; replaces valine 302 with methionine.
Molecular consequence: missense variant. On other transcripts: non-coding transcript variant (1).
Genome position (GRCh38, 1-based): chr16:75,540,041, C>T on the plus strand (G>A on the coding strand, the complement: TMEM231 is on the minus strand). VCF-style: chr16-75540041-C-T. GRCh37 (hg19) VCF-style: chr16-75573939-C-T.
Other names: c.991G>A (NM_001077416.1); c.1063G>A, p.Val355Met (NM_001077416.2); short protein forms V355M, V302M.
Identifiers: ClinVar variation 2166575 (VCV002166575.5), dbSNP rs774482599, ClinGen allele CA8175998.
Genomic context (GRCh38, chr16:75,540,041, plus strand): 5'-AGAAATGGCCTTTCTAGGATAAGTGCTCCTTACACAAGTCTCCCCGGGGCGTCACTGTCA[C>T]AGGAATGGTGGTCACCACCTGATTCTGAAACACGAAGATCTTGATTCTTTCAAACACCCA-3'
Protein context (NP_001070886.1, residues 292-312): FQNQVVTTIP[Val302Met]TVTPRGDLCK

ClinVar aggregate classification (germline): Uncertain significance. Review status: criteria provided, multiple submitters, no conflicts (2 of 4 stars). 2 submissions from 2 submitters: Uncertain significance (2). Last evaluated 2025-11-20.

Conditions:
Inborn genetic diseases. Identifiers: MedGen C0950123, MeSH D030342.
Meckel syndrome, type 11 (MKS11). Identifiers: Orphanet 564, MedGen C3809352, MONDO:0014164, OMIM 615397.
Joubert syndrome 20 (JBTS20). Identifiers: Orphanet 475, MedGen C3554235, MONDO:0013994, OMIM 614970.

Allele frequency attached by ClinVar (database versions not stated): ExAC 0.00001; gnomAD exomes 0.00001.
gnomAD v4.1: 7 of 1,613,682 alleles (0.00043%); highest among the groups gnomAD compares: Admixed American, 0.005%; no homozygotes.

Submissions (2):

Ambry Genetics
Classification: Uncertain significance for Inborn genetic diseases. Last evaluated: 2025-11-20. Review status: criteria provided, single submitter. Criteria: Ambry Variant Classification Scheme 2023. Collection method: clinical testing. Allele origin: germline.

Labcorp Genetics (formerly Invitae), Labcorp
Classification: Uncertain significance for Joubert syndrome 20; Meckel syndrome, type 11. Last evaluated: 2022-07-26. Review status: criteria provided, single submitter. Criteria: Invitae Variant Classification Sherloc (09022015). Collection method: clinical testing. Allele origin: germline.
Comment: This sequence change replaces valine, which is neutral and non-polar, with methionine, which is neutral and non-polar, at codon 355 of the TMEM231 protein (p.Val355Met). This variant is present in population databases (rs774482599, gnomAD 0.003%). This variant has not been reported in the literature in individuals affected with TMEM231-related conditions. Algorithms developed to predict the effect of missense changes on protein structure and function are either unavailable or do not agree on the potential impact of this missense change (SIFT: "Deleterious"; PolyPhen-2: "Not Available"; Align-GVGD: "Class C0"). In summary, the available evidence is currently insufficient to determine the role of this variant in disease. Therefore, it has been classified as a Variant of Uncertain Significance.